The following is an entry in ClinVar:

ClinVar aggregate classification (germline): Uncertain significance (1 of 4 stars; one submission).

Submission:

GeneDx
Classification: Uncertain significance. Last evaluated: 2025-06-10. Review status: criteria provided, single submitter. Criteria: GeneDx Variant Classification Process June 2021. Collection method: clinical testing. Allele origin: germline. Affected: yes.
Comment: Not observed at significant frequency in large population cohorts (gnomAD); In silico analysis supports that this missense variant has a deleterious effect on protein structure/function; Has not been previously published as pathogenic or benign to our knowledge

NM_144672.4(OTOA):c.491T>C (p.Leu164Pro)

Gene: OTOA (otoancorin). Cytogenetic location: 16p12.2.
Variant type: single nucleotide variant.
Coding change: c.491T>C on transcript NM_144672.4 (MANE Select); coding-DNA position 491, T replaced by C.
Protein change: p.Leu164Pro; replaces leucine 164 with proline.
Molecular consequence: missense variant.
Genome position (GRCh38, 1-based): chr16:21,687,504, T>C. VCF-style: chr16-21687504-T-C. GRCh37 (hg19) VCF-style: chr16-21698825-T-C.
Other names: c.254T>C, p.Leu85Pro (NM_001161683.2); short protein forms L164P, L85P.
Identifiers: ClinVar variation 4538018 (VCV004538018.1).